The following is an entry in ClinVar:

ClinVar aggregate classification (germline): Conflicting classifications of pathogenicity. Review status: criteria provided, conflicting classifications (1 of 4 stars). 15 submissions from 15 submitters: Uncertain significance (10); Likely benign (2). 3 of the submissions do not count toward it. Last evaluated 2026-05-12.

Conditions:
Breast-ovarian cancer, familial, susceptibility to, 2 (BROVCA2). Also called: BRCA2 Hereditary Breast and Ovarian Cancer. Identifiers: Orphanet 145, MedGen C2675520, MONDO:0012933, OMIM 612555. Disease mechanism: loss of function.
Hereditary breast ovarian cancer syndrome. Also called: Hereditary breast and ovarian cancer syndrome; Breast and ovarian cancer; BRCA1- and BRCA2-Associated Hereditary Breast and Ovarian Cancer; Hereditary breast and ovarian cancer syndrome (HBOC); Hereditary breast and ovarian cancer; Hereditary breast and/or ovarian cancer syndrome. Identifiers: Orphanet 145, MedGen C0677776, MeSH D061325, MONDO:0003582. Disease mechanism: loss of function.
Fanconi anemia complementation group D1. Also called: BRCA2-Related Fanconi Anemia. Identifiers: Orphanet 319462, MedGen C1838457, MONDO:0011584, OMIM 605724.
Familial cancer of breast. Also called: BREAST CANCER, FAMILIAL; hereditary breast carcinoma; Hereditary breast cancer. Identifiers: Orphanet 227535, MedGen C0346153, MONDO:0016419, OMIM 114480. Disease mechanism: loss of function.
Medulloblastoma (MDB). Also called: Medulloblastoma, somatic; MEDULLOBLASTOMA PREDISPOSITION SYNDROME. Identifiers: Orphanet 616, MedGen C0025149, MeSH D008527, MONDO:0007959, OMIM 155255, HP:0002885.
Pancreatic cancer, susceptibility to, 2. Identifiers: Orphanet 1333, MedGen C3150546, MONDO:0013235, OMIM 613347.
Glioma susceptibility 3 (GLM3). Also called: Glioblastoma 3. Identifiers: Orphanet 182067, Orphanet 360, MedGen C2751641, MONDO:0013093, OMIM 613029.
Familial prostate cancer. Also called: Hereditary Prostate Cancer. Identifiers: MedGen C2931456, MONDO:0700275, OMIM 176807.
Wilms tumor 1 (WT1). Also called: Wilms tumor, somatic. Identifiers: Orphanet 654, MedGen CN033288, MONDO:0008679, OMIM 194070.
Hereditary cancer-predisposing syndrome. Also called: Hereditary neoplastic syndrome; Hereditary Cancer Syndrome; Neoplastic Syndromes, Hereditary; Tumor predisposition. Identifiers: Orphanet 140162, MedGen C0027672, MeSH D009386, MONDO:0015356.

Allele frequency attached by ClinVar (database versions not stated): gnomAD exomes below 0.00001; TOPMed below 0.00001.
gnomAD v4.1: 4 of 1,583,240 alleles (0.00025%); highest among the groups gnomAD compares: Admixed American, 0.0056%; no homozygotes.

Submissions (15):

GeneDx
Classification: Uncertain significance. Last evaluated: 2026-05-12. Review status: criteria provided, single submitter. Criteria: GeneDx Variant Classification Process June 2021. Collection method: clinical testing. Allele origin: germline.
Comment: Observed in individuals with a personal and/or family history of breast and ovarian cancer (PMID: 34413315, 31851867; Bahsi T and Erdem HB. (2019) Turk J Biochem. 45 (1):83-90); Not observed at significant frequency in large population cohorts (gnomAD); In silico analysis supports that this missense variant has a deleterious effect on protein structure/function; Also known as 5353G>T; This variant is associated with the following publications: (PMID: 31851867, Bahsi2019[article], 29884841, 33471991, 22923510, 34413315, 32377563, 34196900)

Labcorp Genetics (formerly Invitae), Labcorp
Classification: Uncertain significance for Hereditary breast ovarian cancer syndrome. Last evaluated: 2026-01-19. Review status: criteria provided, single submitter. Criteria: Invitae Variant Classification Sherloc (09022015). Collection method: clinical testing. Allele origin: germline.
Comment: This sequence change replaces aspartic acid, which is acidic and polar, with tyrosine, which is neutral and polar, at codon 1709 of the BRCA2 protein (p.Asp1709Tyr). This variant is present in population databases (rs398122792, gnomAD 0.004%). This missense change has been observed in individual(s) with clinical features of BRCA2-related conditions (PMID: 31851867, 34196900, 34413315). ClinVar contains an entry for this variant (Variation ID: 91833). Invitae Evidence Modeling of protein sequence and biophysical properties (such as structural, functional, and spatial information, amino acid conservation, physicochemical variation, residue mobility, and thermodynamic stability) indicates that this missense variant is not expected to disrupt BRCA2 protein function with a negative predictive value of 95%. In summary, the available evidence is currently insufficient to determine the role of this variant in disease. Therefore, it has been classified as a Variant of Uncertain Significance.

Ambry Genetics
Classification: Likely benign for Hereditary cancer-predisposing syndrome. Last evaluated: 2025-04-22. Review status: criteria provided, single submitter. Criteria: Ambry Variant Classification Scheme 2023. Collection method: clinical testing. Allele origin: germline.

Fulgent Genetics
Classification: Uncertain significance for Familial cancer of breast; Medulloblastoma; Familial prostate cancer; Wilms tumor 1; Fanconi anemia complementation group D1; Breast-ovarian cancer, familial, susceptibility to, 2; Glioma susceptibility 3; Pancreatic cancer, susceptibility to, 2. Last evaluated: 2024-05-05. Review status: criteria provided, single submitter. Criteria: ACMG Guidelines, 2015. Collection method: clinical testing. Allele origin: germline.

All of Us Research Program, National Institutes of Health
Classification: Uncertain significance for Breast-ovarian cancer, familial, susceptibility to, 2. Last evaluated: 2023-12-01. Review status: criteria provided, single submitter. Criteria: ACMG Guidelines, 2015. Collection method: clinical testing. Allele origin: germline. Inheritance: Autosomal dominant inheritance. Observed: 1 variant allele, 1 heterozygote.
Comment: This study involves interpretation of variants in research participants for the purpose of population health screening. Participant phenotype was not available at the time of variant classification. Additional details can be found in publication PMID: 35346344, PMCID: PMC8962531

Color Diagnostics, LLC DBA Color Health
Classification: Uncertain significance for Hereditary cancer-predisposing syndrome. Last evaluated: 2023-07-11. Review status: criteria provided, single submitter. Criteria: ACMG Guidelines, 2015. Collection method: clinical testing. Allele origin: germline.
Comment: This missense variant replaces aspartic acid with tyrosine at codon 1709 of the BRCA2 protein. Computational prediction suggests that this variant may not impact protein structure and function (internally defined REVEL score threshold <= 0.5, PMID: 27666373). To our knowledge, functional studies have not been reported for this variant. This variant has been reported in two individuals with a personal or family history of cancer and in one unaffected individual (PMID: 31851867, 33471991; Leiden Open Variation Database DB-ID BRCA2_008302, 34413315). This variant has been identified in 1/226648 chromosomes in the general population by the Genome Aggregation Database (gnomAD). The available evidence is insufficient to determine the role of this variant in disease conclusively. Therefore, this variant is classified as a Variant of Uncertain Significance.

KCCC/NGS Laboratory, Kuwait Cancer Control Center
Classification: Uncertain significance for Breast-ovarian cancer, familial, susceptibility to, 2. Last evaluated: 2023-06-06. Review status: criteria provided, single submitter. Criteria: ACMG Guidelines, 2015. Collection method: clinical testing. Allele origin: germline. Affected: yes.
Comment: A variant on uncertain significance was detected in the BRCA2 gene (c.5125G>T). The p.Asp1709Tyr variant located in coding exon 11 of the BRCA2 gene, results from a G to T substitution at nucleotide position 5125. The Aspartate at codon 1709 is replaced by Tyrosine , This amino acid position is not conserved (PhyloP=-0.65). This variant not present in our local database and found in population databases (rs398122792, gnomAD 0.004%). .This missense change has been observed in individual(s) with breast and/or ovarian cancer (PMID: 22923510, 31851867, 34413315) . Pathogenic computational verdict based on 4 pathogenic predictions from tools ( BLOSUM , PROVEAN , MutationTaster and SIFT) vs 8 benign predictions from PolyPhen, DANN, EIGEN, FATHMM, M-CAP, MutPred , PrimateAI, MVP and LRT . ClinVar has an entry (91833) submitted from 7 diagnostic labs as uncertain significance . Since supporting evidence is limited at this time, this variant is classified as of uncertain significance.

University of Washington Department of Laboratory Medicine, University of Washington
Classification: Likely benign for Hereditary cancer-predisposing syndrome. Last evaluated: 2023-03-23. Review status: criteria provided, single submitter. Criteria: Dines et al. (Genet Med. 2020). Collection method: curation. Allele origin: germline.
Comment: Missense variant in a coldspot region where missense variants are very unlikely to be pathogenic (PMID:31911673).

BRCA2 exon 11 coldspot. Reclassification based on statistical prior probability.

Blueprint Genetics
Classification: Uncertain significance. Last evaluated: 2022-12-09. Review status: criteria provided, single submitter. Criteria: ACMG Guidelines, 2015. Collection method: clinical testing. Allele origin: germline.

Clinical Genetics Laboratory, Skane University Hospital Lund
Classification: Uncertain significance. Last evaluated: 2022-05-27. Review status: criteria provided, single submitter. Criteria: ACMG Guidelines, 2015. Collection method: clinical testing. Allele origin: germline. Affected: yes.

Women's Health and Genetics/Laboratory Corporation of America, LabCorp
Classification: Uncertain significance. Last evaluated: 2022-04-17. Review status: criteria provided, single submitter. Criteria: LabCorp Variant Classification Summary - May 2015. Collection method: clinical testing. Allele origin: germline.
Comment: Variant summary: BRCA2 c.5125G>T (p.Asp1709Tyr) results in a non-conservative amino acid change located in the BRCA2 repeat region (IPR002093) of the encoded protein sequence. Three of five in-silico tools predict a benign effect of the variant on protein function. The variant allele was found at a frequency of 4.4e-06 in 226648 control chromosomes. The available data on variant occurrences in the general population are insufficient to allow any conclusion about variant significance. c.5125G>T has been reported in the literature as a VUS in settings of BRCA analysis (example, Herzog_2021). These report(s) do not provide unequivocal conclusions about association of the variant with Hereditary Breast And Ovarian Cancer Syndrome. To our knowledge, no experimental evidence demonstrating an impact on protein function has been reported. Five clinical diagnostic laboratories have submitted clinical-significance assessments for this variant to ClinVar after 2014 without evidence for independent evaluation. All laboratories classified the variant as uncertain significance. Based on the evidence outlined above, the variant was classified as uncertain significance.

Quest Diagnostics Nichols Institute San Juan Capistrano
Classification: Uncertain significance. Last evaluated: 2021-07-17. Review status: criteria provided, single submitter. Criteria: Quest Diagnostics criteria. Collection method: clinical testing. Allele origin: unknown.

BRCAlab, Lund University
Classification: Uncertain significance for Breast-ovarian cancer, familial, susceptibility to, 2. Last evaluated: 2020-03-02. Review status: no assertion criteria provided. Collection method: clinical testing. Allele origin: germline. Affected: yes. Not counted in ClinVar's aggregate classification.

Counsyl
Classification: Uncertain significance for Breast-ovarian cancer, familial, susceptibility to, 2. Last evaluated: 2018-04-30. Review status: no assertion criteria provided. Collection method: clinical testing. Allele origin: unknown. Not counted in ClinVar's aggregate classification.

Sharing Clinical Reports Project (SCRP)
Classification: Uncertain significance for Breast-ovarian cancer, familial 2. Last evaluated: 2012-04-05. Review status: no assertion criteria provided. Collection method: clinical testing. Allele origin: germline. Not counted in ClinVar's aggregate classification.

Literature cited by the submitters: PubMed 31851867 (cited by 4 submitters); PubMed 34196900 (cited by Labcorp Genetics (formerly Invitae), Labcorp); PubMed 34413315 (cited by 3 submitters); PubMed 33471991 (cited by Ambry Genetics and Color Diagnostics, LLC DBA Color Health); PubMed 22923510 (cited by Women's Health and Genetics/Laboratory Corporation of America, LabCorp and Quest Diagnostics Nichols Institute San Juan Capistrano).

NM_000059.4(BRCA2):c.5125G>T (p.Asp1709Tyr)

Gene: BRCA2 (BRCA2 DNA repair associated; plus strand). Cytogenetic location: 13q13.1.
Variant type: single nucleotide variant.
Coding change: c.5125G>T on transcript NM_000059.4 (MANE Select); coding-DNA position 5125, G replaced by T.
Protein change: p.Asp1709Tyr; replaces aspartic acid 1709 with tyrosine.
Molecular consequence: missense variant.
Genome position (GRCh38, 1-based): chr13:32,339,480, G>T. VCF-style: chr13-32339480-G-T. GRCh37 (hg19) VCF-style: chr13-32913617-G-T.
Other names: 5353G>T; short protein forms D1709Y.
Identifiers: ClinVar variation 91833 (VCV000091833.34), dbSNP rs398122792, ClinGen allele CA021330.
Genomic context (GRCh38, chr13:32,339,480, plus strand): 5'-GCAAAAAAATGGCTTAGAGAAGGAATATTTGATGGTCAACCAGAAAGAATAAATACTGCA[G>T]ATTATGTAGGAAATTATTTGTATGAAAATAATTCAAACAGTACTATAGCTGAAAATGACA-3'
Protein context (NP_000050.3, residues 1699-1719): DGQPERINTA[Asp1709Tyr]YVGNYLYENN